The following is an entry in ClinVar:

NM_001130009.3(GEN1):c.577T>A (p.Leu193Met)

Gene: GEN1 (GEN1 Holliday junction 5' flap endonuclease; plus strand). Cytogenetic location: 2p24.2.
Variant type: single nucleotide variant.
Coding change: c.577T>A on transcript NM_001130009.3 (MANE Select); coding-DNA position 577, T replaced by A.
Protein change: p.Leu193Met; replaces leucine 193 with methionine.
Molecular consequence: missense variant.
Genome position (GRCh38, 1-based): chr2:17,766,630, T>A. VCF-style: chr2-17766630-T-A. GRCh37 (hg19) VCF-style: chr2-17947897-T-A.
Other names: c.577T>A, p.Leu193Met (NM_182625.5); short protein forms L193M.
Identifiers: ClinVar variation 4029225 (VCV004029225.1).

ClinVar aggregate classification (germline): Uncertain significance (1 of 4 stars; one submission).

Submission:

Ambry Genetics
Classification: Uncertain significance. Last evaluated: 2025-04-14. Review status: criteria provided, single submitter. Criteria: Ambry Variant Classification Scheme 2023. Collection method: clinical testing. Allele origin: germline.
Comment: The p.L193M variant (also known as c.577T>A), located in coding exon 4 of the GEN1 gene, results from a T to A substitution at nucleotide position 577. The leucine at codon 193 is replaced by methionine, an amino acid with highly similar properties. This amino acid position is conserved. In addition, the in silico prediction for this alteration is inconclusive. Based on the available evidence, the clinical significance of this variant remains unclear.